The following is an entry in ClinVar:

ClinVar aggregate classification (germline): Uncertain significance (1 of 4 stars; one submission).

Conditions:
Epilepsy, familial focal, with variable foci 1 (FFEVF1). Also called: DEPDC5-Related Epilepsy. Identifiers: MedGen C4551983, MONDO:0024556, OMIM 604364.

Submission:

3billion
Classification: Uncertain significance for Epilepsy, familial focal, with variable foci 1. Last evaluated: 2025-09-05. Review status: criteria provided, single submitter. Criteria: ACMG Guidelines, 2015. Collection method: clinical testing. Allele origin: germline. Affected: yes.
Comment: The variant is not observed in the gnomAD v4.1.0 dataset. Predicted Consequence/Location: Frameshift: predicted to result in a loss or disruption of normal protein function through protein truncation. The predicted truncated protein may be shortened by less than 10%. Therefore, this variant is classified as VUS according to the recommendation of ACMG/AMP guideline.

NM_001242896.3(DEPDC5):c.4544del (p.Tyr1515fs)

Gene: DEPDC5 (DEP domain containing 5, GATOR1 subcomplex subunit; plus strand). Cytogenetic location: 22q12.3.
Variant type: Deletion.
Coding change: c.4544del on transcript NM_001242896.3 (MANE Select); coding-DNA position 4544, one base deleted (A; older notation c.4544delA).
Protein change: p.Tyr1515fs; shifts the reading frame from tyrosine 1515.
Molecular consequence: frameshift variant. On other transcripts: non-coding transcript variant (5).
Genome position (GRCh38, 1-based): chr22:31,906,229, A deleted. VCF-style (leftmost placement, unchanged base first): chr22-31906228-TA-T. GRCh37 (hg19) VCF-style: chr22-32302214-TA-T.
Other names: c.4517del, p.Tyr1506fs (NM_001136029.4); c.4244del, p.Tyr1415fs (NM_001242897.2); c.4478del, p.Tyr1493fs (NM_001363852.2, NM_001364320.2); c.4310del, p.Tyr1437fs (NM_001363854.2, NM_001364319.2); c.4544del, p.Tyr1515fs (NM_001364318.2); c.4460del, p.Tyr1487fs (NM_001369901.1, NM_001369902.1); c.4451del, p.Tyr1484fs (NM_001369903.1, NM_014662.6); short protein forms Y1415fs, Y1437fs, Y1484fs, Y1487fs, Y1493fs, Y1506fs, Y1515fs.
Identifiers: ClinVar variation 4855883 (VCV004855883.1).